The following is an entry in ClinVar:

NM_000268.4(NF2):c.1321G>A (p.Ala441Thr)

Gene: NF2 (NF2, moesin-ezrin-radixin like (MERLIN) tumor suppressor; plus strand). Cytogenetic location: 22q12.2.
Variant type: single nucleotide variant.
Coding change: c.1321G>A on transcript NM_000268.4 (MANE Select); coding-DNA position 1321, G replaced by A.
Protein change: p.Ala441Thr; replaces alanine 441 with threonine.
Molecular consequence: missense variant. On other transcripts: non-coding transcript variant (1), intron variant (1).
Genome position (GRCh38, 1-based): chr22:29,673,467, G>A. VCF-style: chr22-29673467-G-A. GRCh37 (hg19) VCF-style: chr22-30069456-G-A.
Other names: c.1207G>A, p.Ala403Thr (NM_001407053.1, NM_001407056.1); c.1198G>A, p.Ala400Thr (NM_001407054.1, NM_001407058.1, NM_181829.3); c.1195G>A, p.Ala399Thr (NM_001407055.1, NM_181828.3); c.1186G>A, p.Ala396Thr (NM_001407057.1, NM_001407059.1); c.1321G>A, p.Ala441Thr (NM_001407060.1, NM_001407066.1, NM_016418.5 and 2 more transcripts); c.1063G>A, p.Ala355Thr (NM_001407062.1); c.1072G>A, p.Ala358Thr (NM_001407063.1, NM_001407064.1, NM_181830.3 and 1 more transcripts); c.787G>A, p.Ala263Thr (NM_001407065.1); and 2 more; short protein forms A358T, A399T, A263T, A355T, A364T, A396T, A400T, A403T.
Identifiers: ClinVar variation 1769923 (VCV001769923.7), dbSNP rs2147084012, ClinGen allele CA411148664.
Genomic context (GRCh38, chr22:29,673,467, plus strand): 5'-GAGGAGAAGCGCCTGATGGAGCAGAAGGTGCTGGAAGCCGAGGTGCTGGCACTGAAGATG[G>A]CTGAGGAGTCAGAGAGGAGGTGAGGGGGCACCGGGCACCAGACTGGCGAGGAGGCTGGCG-3'
Protein context (NP_000259.1, residues 431-451): LEAEVLALKM[Ala441Thr]EESERRAKEA

ClinVar aggregate classification (germline): Uncertain significance. Review status: criteria provided, multiple submitters, no conflicts (2 of 4 stars). 2 submissions from 2 submitters: Uncertain significance (2). Last evaluated 2021-12-27.

Conditions:
Hereditary cancer-predisposing syndrome. Also called: Hereditary Cancer Syndrome; Hereditary neoplastic syndrome; Neoplastic Syndromes, Hereditary; Tumor predisposition. Identifiers: Orphanet 140162, MedGen C0027672, MeSH D009386, MONDO:0015356.
Neurofibromatosis, type 2 (SWNV). Also called: SCHWANNOMATOSIS, VESTIBULAR; NF2-Related Schwannomatosis; BILATERAL ACOUSTIC NEUROFIBROMATOSIS. Identifiers: Orphanet 637, MedGen C0027832, MONDO:0007039, OMIM 101000. Disease mechanism: loss of function.

Submissions (2):

Labcorp Genetics (formerly Invitae), Labcorp
Classification: Uncertain significance for Neurofibromatosis, type 2. Last evaluated: 2021-12-27. Review status: criteria provided, single submitter. Criteria: Invitae Variant Classification Sherloc (09022015). Collection method: clinical testing. Allele origin: germline.
Comment: In summary, the available evidence is currently insufficient to determine the role of this variant in disease. Therefore, it has been classified as a Variant of Uncertain Significance. Algorithms developed to predict the effect of missense changes on protein structure and function are either unavailable or do not agree on the potential impact of this missense change (SIFT: "Tolerated"; PolyPhen-2: "Possibly Damaging"; Align-GVGD: "Class C0"). This variant has not been reported in the literature in individuals affected with NF2-related conditions. This variant is not present in population databases (gnomAD no frequency). This sequence change replaces alanine, which is neutral and non-polar, with threonine, which is neutral and polar, at codon 441 of the NF2 protein (p.Ala441Thr).

Ambry Genetics
Classification: Uncertain significance for Hereditary cancer-predisposing syndrome. Last evaluated: 2021-10-18. Review status: criteria provided, single submitter. Criteria: Ambry Variant Classification Scheme 2023. Collection method: clinical testing. Allele origin: germline.
Comment: The p.A441T variant (also known as c.1321G>A), located in coding exon 12 of the NF2 gene, results from a G to A substitution at nucleotide position 1321. The alanine at codon 441 is replaced by threonine, an amino acid with similar properties. This amino acid position is well conserved in available vertebrate species. In addition, the in silico prediction for this alteration is inconclusive. Since supporting evidence is limited at this time, the clinical significance of this alteration remains unclear.